The following is an entry in ClinVar:

NM_005629.4(SLC6A8):c.1768-16T>C

Gene: SLC6A8 (solute carrier family 6 member 8; plus strand). Cytogenetic location: Xq28.
Variant type: single nucleotide variant.
Coding change: c.1768-16T>C on transcript NM_005629.4 (MANE Select); 16 bases into the intron before coding-DNA position 1768, T replaced by C.
Molecular consequence: intron variant.
Genome position (GRCh38, 1-based): chrX:153,695,058, T>C. VCF-style: chrX-153695058-T-C. GRCh37 (hg19) VCF-style: chrX-152960513-T-C.
Other names: c.1738-16T>C (NM_001142805.2); c.1423-16T>C (NM_001142806.1).
Identifiers: ClinVar variation 510743 (VCV000510743.3), dbSNP rs370937021, ClinGen allele CA10549658.
Genomic context (GRCh38, chrX:153,695,058, plus strand): 5'-GGAGAGAGGCAGAGGAAGTCACCGTGGGGACGAGCAGGTGACCCTGGGGGCTTCAGCATG[T>C]CCTCCTCTCCTGCAGCGCTGGCAGCACCTGACCCAGCCCATCTGGGGCCTCCACCACTTG-3'

ClinVar aggregate classification (germline): Likely benign. Review status: criteria provided, multiple submitters, no conflicts (2 of 4 stars). 2 submissions from 2 submitters: Likely benign (2). Last evaluated 2024-03-07.

Conditions:
Creatine transporter deficiency (CCDS1). Also called: Creatine Transporter (CRTR) Deficiency; Mental retardation , X-linked with seizures, short stature and midface hypoplasia; Mental retardation , X-linked, with creatine transport deficiency; X-linked creatine transporter deficiency; X-linked creatine deficiency syndrome; SLC6A8-Related Creatine Transporter Deficiency. Identifiers: Orphanet 52503, MedGen C1845862, MONDO:0010305, OMIM 300352.

Allele frequency attached by ClinVar (database versions not stated): gnomAD exomes below 0.00001 and 0.00001; gnomAD 0.00001; TOPMed 0.00001; ExAC 0.00003; ESP Exome Variant Server 0.00009.
gnomAD v4.1: 3 of 1,193,657 alleles (0.00025%); highest among the groups gnomAD compares: Admixed American, 0.0022%; no homozygotes.

Submissions (2):

Labcorp Genetics (formerly Invitae), Labcorp
Classification: Likely benign for Creatine transporter deficiency. Last evaluated: 2024-03-07. Review status: criteria provided, single submitter. Criteria: Invitae Variant Classification Sherloc (09022015). Collection method: clinical testing. Allele origin: germline.

GeneDx
Classification: Likely benign. Last evaluated: 2017-07-27. Review status: criteria provided, single submitter. Criteria: GeneDx Variant Classification (06012015). Collection method: clinical testing. Allele origin: germline. Affected: yes.
Comment: This variant is considered likely benign or benign based on one or more of the following criteria: it is a conservative change, it occurs at a poorly conserved position in the protein, it is predicted to be benign by multiple in silico algorithms, and/or has population frequency not consistent with disease.